The following is an entry in ClinVar:

NM_033380.3(COL4A5):c.1517-9G>A

Gene: COL4A5 (collagen type IV alpha 5 chain; plus strand). Cytogenetic location: Xq22.3.
Variant type: single nucleotide variant.
Coding change: c.1517-9G>A on transcript NM_033380.3 (MANE Select); 9 bases into the intron before coding-DNA position 1517, G replaced by A.
Molecular consequence: intron variant.
Genome position (GRCh38, 1-based): chrX:108,596,989, G>A. VCF-style: chrX-108596989-G-A. GRCh37 (hg19) VCF-style: chrX-107840219-G-A.
Other names: c.1517-9G>A (NM_000495.5).
Identifiers: ClinVar variation 1931538 (VCV001931538.2), dbSNP rs2524305200, ClinGen allele CA2580100166.

ClinVar aggregate classification (germline): Uncertain significance (1 of 4 stars; one submission).

Submission:

Labcorp Genetics (formerly Invitae), Labcorp
Classification: Uncertain significance. Last evaluated: 2021-02-18. Review status: criteria provided, single submitter. Criteria: Invitae Variant Classification Sherloc (09022015). Collection method: clinical testing. Allele origin: germline.
Comment: This sequence change falls in intron 22 of the COL4A5 gene. It does not directly change the encoded amino acid sequence of the COL4A5 protein. This variant is not present in population databases (ExAC no frequency). This variant has not been reported in the literature in individuals with COL4A5-related conditions. Algorithms developed to predict the effect of sequence changes on RNA splicing suggest that this variant may disrupt the consensus splice site, but this prediction has not been confirmed by published transcriptional studies. In summary, the available evidence is currently insufficient to determine the role of this variant in disease. Therefore, it has been classified as a Variant of Uncertain Significance.